The following is an entry in ClinVar:

NM_000270.4(PNP):c.601G>T (p.Glu201Ter)

Gene: PNP (purine nucleoside phosphorylase; plus strand). Cytogenetic location: 14q11.2.
Variant type: single nucleotide variant.
Coding change: c.601G>T on transcript NM_000270.4 (MANE Select); coding-DNA position 601, G replaced by T.
Protein change: p.Glu201Ter; replaces glutamic acid 201 with a stop codon.
Molecular consequence: nonsense.
Genome position (GRCh38, 1-based): chr14:20,475,201, G>T. VCF-style: chr14-20475201-G-T. GRCh37 (hg19) VCF-style: chr14-20943360-G-T.
Other names: short protein forms E201*.
Identifiers: ClinVar variation 1804667 (VCV001804667.4), dbSNP rs922257453, ClinGen allele CA257418300.

ClinVar aggregate classification (germline): Pathogenic/Likely pathogenic. Review status: criteria provided, multiple submitters, no conflicts (2 of 4 stars). 2 submissions from 2 submitters: Pathogenic (1); Likely pathogenic (1). Last evaluated 2022-11-30.

Conditions:
Severe combined immunodeficiency disease. Also called: Severe Combined Immune Deficiency; Severe combined immunodeficiency. Identifiers: Orphanet 183660, MedGen C0085110, MeSH D016511, MONDO:0015974, HP:0004430. Inheritance: X-Linked or Autosomal recessive.
Purine-nucleoside phosphorylase deficiency. Also called: Immunodeficiency due to purine nucleoside phosphorylase deficiency; NUCLEOSIDE PHOSPHORYLASE DEFICIENCY. Identifiers: Orphanet 760, MedGen C0268125, MONDO:0013171, OMIM 613179.

Allele frequency attached by ClinVar (database versions not stated): TOPMed 0.00003.
gnomAD v4.1: 2 of 1,614,088 alleles (0.00012%); highest among the groups gnomAD compares: African/African-American, 0.0027%; no homozygotes.

Submissions (2):

Women's Health and Genetics/Laboratory Corporation of America, LabCorp
Classification: Likely pathogenic for Severe combined immunodeficiency disease. Last evaluated: 2022-11-30. Review status: criteria provided, single submitter. Criteria: LabCorp Variant Classification Summary - May 2015. Collection method: clinical testing. Allele origin: germline.
Comment: Variant summary: PNP c.601G>T (p.Glu201X) results in a premature termination codon, predicted to cause a truncation- (removing a large part of the 289 amino acid long protein), or absence of the protein due to nonsense mediated decay, which are commonly known mechanisms for disease. Truncations downstream of this position have been reported in individuals affected with severe combined immunodeficiency (HGMD). The variant was absent in 251382 control chromosomes (gnomAD). To our knowledge, no occurrence of c.601G>T in individuals affected with Severe Combined Immunodeficiency and no experimental evidence demonstrating its impact on protein function have been reported. No clinical diagnostic laboratories have submitted clinical-significance assessments for this variant to ClinVar after 2014. Based on the evidence outlined above, the variant was classified as likely pathogenic.

Labcorp Genetics (formerly Invitae), Labcorp
Classification: Pathogenic for Purine-nucleoside phosphorylase deficiency. Last evaluated: 2022-11-26. Review status: criteria provided, single submitter. Criteria: Invitae Variant Classification Sherloc (09022015). Collection method: clinical testing. Allele origin: germline.
Comment: This sequence change creates a premature translational stop signal (p.Glu201*) in the PNP gene. It is expected to result in an absent or disrupted protein product. Loss-of-function variants in PNP are known to be pathogenic (PMID: 24767876). This variant is not present in population databases (gnomAD no frequency). This variant has not been reported in the literature in individuals affected with PNP-related conditions. For these reasons, this variant has been classified as Pathogenic.

Literature cited by the submitters: PubMed 24767876 (cited by Labcorp Genetics (formerly Invitae), Labcorp).